The following is an entry in ClinVar:

NM_000038.6(APC):c.2363A>G (p.Lys788Arg)

Gene: APC (APC regulator of Wnt signaling pathway; plus strand). Cytogenetic location: 5q22.2.
Variant type: single nucleotide variant.
Coding change: c.2363A>G on transcript NM_000038.6 (MANE Select); coding-DNA position 2363, A replaced by G.
Protein change: p.Lys788Arg; replaces lysine 788 with arginine.
Molecular consequence: missense variant.
Genome position (GRCh38, 1-based): chr5:112,837,957, A>G. VCF-style: chr5-112837957-A-G. GRCh37 (hg19) VCF-style: chr5-112173654-A-G.
Other names: c.2363A>G, p.Lys788Arg (NM_001127510.3, NM_001354895.2, NM_001407450.1); c.2309A>G, p.Lys770Arg (NM_001127511.3); c.2417A>G, p.Lys806Arg (NM_001354896.2, NM_001407447.1, NM_001407448.1 and 1 more transcripts); c.2393A>G, p.Lys798Arg (NM_001354897.2); c.2288A>G, p.Lys763Arg (NM_001354898.2); c.2279A>G, p.Lys760Arg (NM_001354899.2); c.2240A>G, p.Lys747Arg (NM_001354900.2); c.2186A>G, p.Lys729Arg (NM_001354901.2, NM_001407453.1); and 12 more; short protein forms K404R, K662R, K770R, K781R, K659R, K687R, K705R, K747R.
Identifiers: ClinVar variation 2134416 (VCV002134416.5), dbSNP rs2533415589, ClinGen allele CA16026519.
Genomic context (GRCh38, chr5:112,837,957, plus strand): 5'-ACTTATCAGAAACTTTTGACAATATAGACAATTTAAGTCCCAAGGCATCTCATCGTAGTA[A>G]GCAGAGACACAAGCAAAGTCTCTATGGTGATTATGTTTTTGACACCAATCGACATGATGA-3'
Protein context (NP_000029.2, residues 778-798): NLSPKASHRS[Lys788Arg]QRHKQSLYGD

ClinVar aggregate classification (germline): Uncertain significance. Review status: criteria provided, multiple submitters, no conflicts (2 of 4 stars). 2 submissions from 2 submitters: Uncertain significance (2). Last evaluated 2025-12-30.

Conditions:
Hereditary cancer-predisposing syndrome. Also called: Hereditary neoplastic syndrome; Neoplastic Syndromes, Hereditary; Tumor predisposition; Hereditary Cancer Syndrome. Identifiers: Orphanet 140162, MedGen C0027672, MeSH D009386, MONDO:0015356.
Familial adenomatous polyposis 1 (FAP1). Also called: FAMILIAL ADENOMATOUS POLYPOSIS 1, ATTENUATED; POLYPOSIS, ADENOMATOUS INTESTINAL. Identifiers: MedGen C2713442, MONDO:0021056, OMIM 175100. Disease mechanism: loss of function.

Submissions (2):

Ambry Genetics
Classification: Uncertain significance for Hereditary cancer-predisposing syndrome. Last evaluated: 2025-12-30. Review status: criteria provided, single submitter. Criteria: Ambry Variant Classification Scheme 2023. Collection method: clinical testing. Allele origin: germline.
Comment: The p.K788R variant (also known as c.2363A>G), located in coding exon 15 of the APC gene, results from an A to G substitution at nucleotide position 2363. The lysine at codon 788 is replaced by arginine, an amino acid with highly similar properties. This amino acid position is well conserved in available vertebrate species. In addition, in silico predictors for this gene do not accurately predict pathogenicity. Missense variants in APC are not a common cause of disease (Spier I et al. Genet Med. 2024 Feb;26(2):100992). Based on the available evidence, the clinical significance of this variant remains unclear.

Labcorp Genetics (formerly Invitae), Labcorp
Classification: Uncertain significance for Familial adenomatous polyposis 1. Last evaluated: 2022-08-27. Review status: criteria provided, single submitter. Criteria: Invitae Variant Classification Sherloc (09022015). Collection method: clinical testing. Allele origin: germline.
Comment: This sequence change replaces lysine, which is basic and polar, with arginine, which is basic and polar, at codon 788 of the APC protein (p.Lys788Arg). This variant has not been reported in the literature in individuals affected with APC-related conditions. This variant is not present in population databases (gnomAD no frequency). In summary, the available evidence is currently insufficient to determine the role of this variant in disease. Therefore, it has been classified as a Variant of Uncertain Significance. Algorithms developed to predict the effect of missense changes on protein structure and function are either unavailable or do not agree on the potential impact of this missense change (SIFT: "Tolerated"; PolyPhen-2: "Possibly Damaging"; Align-GVGD: "Class C0").